The following is an entry in ClinVar:

ClinVar aggregate classification (germline): Uncertain significance. Review status: criteria provided, multiple submitters, no conflicts (2 of 4 stars). 2 submissions from 2 submitters: Uncertain significance (2). Last evaluated 2025-06-16.

Conditions:
Aortic aneurysm, familial thoracic 7 (AAT7). Also called: AORTIC DISSECTION, FAMILIAL, WITH OR WITHOUT AORTIC ANEURYSM. Identifiers: MedGen C3151077, MONDO:0013418, OMIM 613780.

gnomAD v4.1: 2 of 1,614,150 alleles (0.00012%); highest among the groups gnomAD compares: East Asian, 0.0022%; no homozygotes.

Submissions (2):

Dasa
Classification: Uncertain significance for Aortic aneurysm, familial thoracic 7. Last evaluated: 2025-06-16. Review status: criteria provided, single submitter. Criteria: DASA Assertion Criteria. Collection method: clinical testing. Allele origin: germline.
Comment: NM_053025.4(MYLK):c.338G>A (p.Gly113Asp) is a missense variant that results in the substitution of glycine with aspartic acid. This variant is rare in population databases. Computational prediction algorithms are consistent with a deleterious effect. The currently available literature and clinical evidence are not sufficient to establish a definitive association between this variant and the reported condition. Therefore, this variant is classified as a variant of uncertain significance.

Blueprint Genetics
Classification: Uncertain significance. Last evaluated: 2023-06-08. Review status: criteria provided, single submitter. Criteria: ACMG Guidelines, 2015. Collection method: clinical testing. Allele origin: germline.

NM_053025.4(MYLK):c.338G>A (p.Gly113Asp)

Gene: MYLK (myosin light chain kinase; minus strand). Cytogenetic location: 3q21.1.
Variant type: single nucleotide variant.
Coding change: c.338G>A on transcript NM_053025.4 (MANE Select); coding-DNA position 338, G replaced by A.
Protein change: p.Gly113Asp; replaces glycine 113 with aspartic acid.
Molecular consequence: missense variant. On other transcripts: intron variant (1).
Genome position (GRCh38, 1-based): chr3:123,752,366, C>T on the plus strand (G>A on the coding strand, the complement: MYLK is on the minus strand). VCF-style: chr3-123752366-C-T. GRCh37 (hg19) VCF-style: chr3-123471213-C-T.
Other names: c.338G>A, p.Gly113Asp (NM_053026.4, NM_053027.4, NM_053028.4); c.-155-12365G>A (NM_001321309.2); short protein forms G113D.
Identifiers: ClinVar variation 4882110 (VCV004882110.3).